The following is an entry in ClinVar:

NM_001853.4(COL9A3):c.1243G>A (p.Gly415Ser)

Gene: COL9A3 (collagen type IX alpha 3 chain; plus strand). Cytogenetic location: 20q13.33.
Variant type: single nucleotide variant.
Coding change: c.1243G>A on transcript NM_001853.4 (MANE Select); coding-DNA position 1243, G replaced by A.
Protein change: p.Gly415Ser; replaces glycine 415 with serine.
Molecular consequence: missense variant.
Genome position (GRCh38, 1-based): chr20:62,830,544, G>A. VCF-style: chr20-62830544-G-A. GRCh37 (hg19) VCF-style: chr20-61461896-G-A.
Other names: c.1243G>A (NM_001853.3); short protein forms G415S.
Identifiers: ClinVar variation 1016874 (VCV001016874.11), dbSNP rs200852092, ClinGen allele CA9949847.

ClinVar aggregate classification (germline): Conflicting classifications of pathogenicity. Review status: criteria provided, conflicting classifications (1 of 4 stars). 5 submissions from 5 submitters: Uncertain significance (4); Likely benign (1). Last evaluated 2025-11-27.

Conditions:
Inborn genetic diseases. Identifiers: MedGen C0950123, MeSH D030342.

Allele frequency attached by ClinVar (database versions not stated): gnomAD 0.00001 and 0.00002; TOPMed 0.00002; gnomAD exomes 0.00004 and 0.00019; ESP Exome Variant Server 0.00008; 1000 Genomes Project 30x 0.00016; 1000 Genomes Project 0.00020; ExAC 0.00031.

Submissions (5):

Labcorp Genetics (formerly Invitae), Labcorp
Classification: Uncertain significance. Last evaluated: 2025-11-27. Review status: criteria provided, single submitter. Criteria: Invitae Variant Classification Sherloc (09022015). Collection method: clinical testing. Allele origin: germline.
Comment: This sequence change replaces glycine, which is neutral and non-polar, with serine, which is neutral and polar, at codon 415 of the COL9A3 protein (p.Gly415Ser). This variant is present in population databases (rs200852092, gnomAD 0.06%). This variant has not been reported in the literature in individuals affected with COL9A3-related conditions. ClinVar contains an entry for this variant (Variation ID: 1016874). Invitae Evidence Modeling of protein sequence and biophysical properties (such as structural, functional, and spatial information, amino acid conservation, physicochemical variation, residue mobility, and thermodynamic stability) indicates that this missense variant is expected to disrupt COL9A3 protein function with a positive predictive value of 95%. In summary, the available evidence is currently insufficient to determine the role of this variant in disease. Therefore, it has been classified as a Variant of Uncertain Significance.

Ambry Genetics
Classification: Uncertain significance for Inborn genetic diseases. Last evaluated: 2025-06-19. Review status: criteria provided, single submitter. Criteria: Ambry Variant Classification Scheme 2023. Collection method: clinical testing. Allele origin: germline.

Women's Health and Genetics/Laboratory Corporation of America, LabCorp
Classification: Uncertain significance. Last evaluated: 2024-08-30. Review status: criteria provided, single submitter. Criteria: LabCorp Variant Classification Summary - May 2015. Collection method: clinical testing. Allele origin: germline.
Comment: Variant summary: COL9A3 c.1243G>A (p.Gly415Ser) results in a non-conservative amino acid change in the encoded protein sequence. Four of four in-silico tools predict a damaging effect of the variant on protein function. The variant allele was found at a frequency of 0.00019 in 236304 control chromosomes. This frequency is not significantly higher than estimated for a pathogenic variant in COL9A3 causing Epiphyseal Dysplasia, Multiple, 3, allowing no conclusion about variant significance. To our knowledge, no occurrence of c.1243G>A in individuals affected with Epiphyseal Dysplasia, Multiple, 3 and no experimental evidence demonstrating its impact on protein function have been reported. ClinVar contains an entry for this variant (Variation ID: 1016874). Based on the evidence outlined above, the variant was classified as uncertain significance.

GeneDx
Classification: Uncertain significance. Last evaluated: 2024-03-10. Review status: criteria provided, single submitter. Criteria: GeneDx Variant Classification Process June 2021. Collection method: clinical testing. Allele origin: germline. Affected: yes.
Comment: Has not been previously published as pathogenic or benign to our knowledge; In silico analysis supports that this missense variant has a deleterious effect on protein structure/function

Blueprint Genetics
Classification: Likely benign. Last evaluated: 2023-09-25. Review status: criteria provided, single submitter. Criteria: ACMG Guidelines, 2015. Collection method: clinical testing. Allele origin: germline.